The following is an entry in ClinVar:

NM_004281.4(BAG3):c.712G>A (p.Gly238Arg)

Gene: BAG3 (BAG cochaperone 3; plus strand). Cytogenetic location: 10q26.11.
Variant type: single nucleotide variant.
Coding change: c.712G>A on transcript NM_004281.4 (MANE Select); coding-DNA position 712, G replaced by A.
Protein change: p.Gly238Arg; replaces glycine 238 with arginine.
Molecular consequence: missense variant.
Genome position (GRCh38, 1-based): chr10:119,672,459, G>A. VCF-style: chr10-119672459-G-A. GRCh37 (hg19) VCF-style: chr10-121431971-G-A.
Other names: short protein forms G238R.
Identifiers: ClinVar variation 2923327 (VCV002923327.3), dbSNP rs2494014112, ClinGen allele CA378295642.

ClinVar aggregate classification (germline): Uncertain significance (1 of 4 stars; one submission).

Conditions:
Myofibrillar myopathy 6. Identifiers: Orphanet 199340, MedGen C2751831, MONDO:0013061, OMIM 612954.
Dilated cardiomyopathy 1HH (CMD1HH). Identifiers: Orphanet 154, MedGen C3151293, MONDO:0013479, OMIM 613881.

Submission:

Labcorp Genetics (formerly Invitae), Labcorp
Classification: Uncertain significance for Dilated cardiomyopathy 1HH; Myofibrillar myopathy 6. Last evaluated: 2024-01-16. Review status: criteria provided, single submitter. Criteria: Invitae Variant Classification Sherloc (09022015). Collection method: clinical testing. Allele origin: germline.
Comment: This sequence change replaces glycine, which is neutral and non-polar, with arginine, which is basic and polar, at codon 238 of the BAG3 protein (p.Gly238Arg). This variant is not present in population databases (gnomAD no frequency). This variant has not been reported in the literature in individuals affected with BAG3-related conditions. Advanced modeling of protein sequence and biophysical properties (such as structural, functional, and spatial information, amino acid conservation, physicochemical variation, residue mobility, and thermodynamic stability) performed at Invitae indicates that this missense variant is not expected to disrupt BAG3 protein function with a negative predictive value of 80%. In summary, the available evidence is currently insufficient to determine the role of this variant in disease. Therefore, it has been classified as a Variant of Uncertain Significance.